The following is an entry in ClinVar:

ClinVar aggregate classification (germline): Conflicting classifications of pathogenicity. Review status: criteria provided, conflicting classifications (1 of 4 stars). 9 submissions from 9 submitters: Uncertain significance (8); Likely benign (1). Last evaluated 2026-09-17.

Conditions:
Intrauterine growth retardation, metaphyseal dysplasia, adrenal hypoplasia congenita, genital anomalies, and immunodeficiency. Also called: IMAGEI SYNDROME. Identifiers: MedGen C5193036, MONDO:0032684, OMIM 618336.
Colorectal cancer, susceptibility to, 12 (CRCS12). Also called: COLORECTAL CANCER, SUSCEPTIBILITY TO, ON CHROMOSOME 12q24. Identifiers: Orphanet 220460, MedGen C3554460, MONDO:0014038, OMIM 615083.
Facial dysmorphism-immunodeficiency-livedo-short stature syndrome. Also called: Facial dysmorphism, immunodeficiency, livedo, and short stature; FILS syndrome. Identifiers: Orphanet 352712, MedGen C3554576, MONDO:0014058, OMIM 615139.
POLE-related disorder. Also called: POLE-related condition; POLE-related disorders.
Hereditary cancer-predisposing syndrome. Also called: Neoplastic Syndromes, Hereditary; Hereditary Cancer Syndrome; Tumor predisposition; Hereditary neoplastic syndrome. Identifiers: Orphanet 140162, MedGen C0027672, MeSH D009386, MONDO:0015356.

Allele frequency attached by ClinVar (database versions not stated): TOPMed 0.00004.
gnomAD v4.1: 32 of 1,613,988 alleles (0.002%); highest among the groups gnomAD compares: Admixed American, 0.0067%; no homozygotes.

Submissions (9):

PreventionGenetics, part of Exact Sciences
Classification: Uncertain significance for POLE-related condition. Last evaluated: 2026-09-17. Review status: criteria provided, single submitter. Criteria: ACMG Guidelines, 2015. Collection method: clinical testing. Allele origin: germline.
Comment: The POLE c.1138G>A variant is predicted to result in the amino acid substitution p.Gly380Ser. To our knowledge, this variant has not been reported in the literature in individuals with POLE associated conditions. This variant is reported in 0.011% of alleles in individuals of European (Non-Finnish) descent in gnomAD and is interpreted as uncertain and likely benign in ClinVar (Variation ID: 473437). At this time, the clinical significance of this variant is uncertain due to the absence of conclusive functional and genetic evidence.

Ambry Genetics
Classification: Uncertain significance for Hereditary cancer-predisposing syndrome. Last evaluated: 2026-01-07. Review status: criteria provided, single submitter. Criteria: Ambry Variant Classification Scheme 2023. Collection method: clinical testing. Allele origin: germline.
Comment: The p.G380S variant (also known as c.1138G>A), located in coding exon 12 of the POLE gene, results from a G to A substitution at nucleotide position 1138. The glycine at codon 380 is replaced by serine, an amino acid with similar properties. This amino acid position is highly conserved in available vertebrate species. In addition, the in silico prediction for this alteration is inconclusive. Based on the available evidence, the clinical significance of this variant remains unclear.

Labcorp Genetics (formerly Invitae), Labcorp
Classification: Uncertain significance. Last evaluated: 2025-12-22. Review status: criteria provided, single submitter. Criteria: Invitae Variant Classification Sherloc (09022015). Collection method: clinical testing. Allele origin: germline.
Comment: This sequence change replaces glycine, which is neutral and non-polar, with serine, which is neutral and polar, at codon 380 of the POLE protein (p.Gly380Ser). This variant is present in population databases (rs199746481, gnomAD 0.01%). This variant has not been reported in the literature in individuals affected with POLE-related conditions. ClinVar contains an entry for this variant (Variation ID: 473437). Invitae Evidence Modeling of protein sequence and biophysical properties (such as structural, functional, and spatial information, amino acid conservation, physicochemical variation, residue mobility, and thermodynamic stability) indicates that this missense variant is not expected to disrupt POLE protein function with a negative predictive value of 80%. In summary, the available evidence is currently insufficient to determine the role of this variant in disease. Therefore, it has been classified as a Variant of Uncertain Significance.

Quest Diagnostics Nichols Institute San Juan Capistrano
Classification: Likely benign. Last evaluated: 2025-09-04. Review status: criteria provided, single submitter. Criteria: Quest Diagnostics criteria. Collection method: clinical testing. Allele origin: unknown.

Center for Genomic Medicine, Rigshospitalet, Copenhagen University Hospital
Classification: Uncertain significance. Last evaluated: 2025-03-04. Review status: criteria provided, single submitter. Criteria: ACMG Guidelines, 2015. Collection method: clinical testing. Allele origin: germline.

Fulgent Genetics
Classification: Uncertain significance for Colorectal cancer, susceptibility to, 12; Facial dysmorphism-immunodeficiency-livedo-short stature syndrome; Intrauterine growth retardation, metaphyseal dysplasia, adrenal hypoplasia congenita, genital anomalies, and immunodeficiency. Last evaluated: 2024-03-24. Review status: criteria provided, single submitter. Criteria: ACMG Guidelines, 2015. Collection method: clinical testing. Allele origin: germline.

Baylor Genetics
Classification: Uncertain significance for Colorectal cancer, susceptibility to, 12. Last evaluated: 2024-01-24. Review status: criteria provided, single submitter. Criteria: ACMG Guidelines, 2015. Collection method: clinical testing. Allele origin: unknown.

GeneDx
Classification: Uncertain significance. Last evaluated: 2023-03-17. Review status: criteria provided, single submitter. Criteria: GeneDx Variant Classification Process June 2021. Collection method: clinical testing. Allele origin: germline. Affected: yes.
Comment: In silico analysis supports that this missense variant does not alter protein structure/function; This variant is associated with the following publications: (PMID: 29056344, 20951805)

Clinical Genetics Laboratory, Skane University Hospital Lund
Classification: Uncertain significance. Last evaluated: 2022-05-27. Review status: criteria provided, single submitter. Criteria: ACMG Guidelines, 2015. Collection method: clinical testing. Allele origin: germline. Affected: yes.

Literature cited by the submitters: PubMed 32546565 (cited by Quest Diagnostics Nichols Institute San Juan Capistrano); PubMed 27153395 (cited by Quest Diagnostics Nichols Institute San Juan Capistrano); PubMed 36833268 (cited by Quest Diagnostics Nichols Institute San Juan Capistrano).

NM_006231.4(POLE):c.1138G>A (p.Gly380Ser)

Gene: POLE (DNA polymerase epsilon, catalytic subunit; minus strand). Cytogenetic location: 12q24.33.
Variant type: single nucleotide variant.
Coding change: c.1138G>A on transcript NM_006231.4 (MANE Select); coding-DNA position 1138, G replaced by A.
Protein change: p.Gly380Ser; replaces glycine 380 with serine.
Molecular consequence: missense variant.
Genome position (GRCh38, 1-based): chr12:132,675,486, C>T on the plus strand (G>A on the coding strand, the complement: POLE is on the minus strand). VCF-style: chr12-132675486-C-T. GRCh37 (hg19) VCF-style: chr12-133252072-C-T.
Other names: short protein forms G380S.
Identifiers: ClinVar variation 473437 (VCV000473437.28), dbSNP rs199746481, ClinGen allele CA6894059.